The following is an entry in ClinVar:

NM_032119.4(ADGRV1):c.4630A>T (p.Lys1544Ter)

Gene: ADGRV1 (adhesion G protein-coupled receptor V1; plus strand). Cytogenetic location: 5q14.3.
Variant type: single nucleotide variant.
Coding change: c.4630A>T on transcript NM_032119.4 (MANE Select); coding-DNA position 4630, A replaced by T.
Protein change: p.Lys1544Ter; replaces lysine 1544 with a stop codon.
Molecular consequence: nonsense. On other transcripts: non-coding transcript variant (1).
Genome position (GRCh38, 1-based): chr5:90,658,156, A>T. VCF-style: chr5-90658156-A-T. GRCh37 (hg19) VCF-style: chr5-89953973-A-T.
Other names: short protein forms K1544*.
Identifiers: ClinVar variation 1454194 (VCV001454194.6), dbSNP rs1769690100, ClinGen allele CA360404425.
Genomic context (GRCh38, chr5:90,658,156, plus strand): 5'-TCATTCATTATTTCTGCAAGAGATGACAATGACGAGGAAGGAGAAGAATTATTCATTCTT[A>T]AACTAGTTTCTGTATATGGAGGAGCTCGTATTTCGGAAGAAAATACTACTGCAAGATTAA-3'

ClinVar aggregate classification (germline): Pathogenic (1 of 4 stars; one submission).

Allele frequency attached by ClinVar (database versions not stated): gnomAD exomes below 0.00001.
gnomAD v4.1: 1 of 1,612,828 alleles (0.000062%); highest among the groups gnomAD compares: East Asian, 0.0022%; no homozygotes.

Submission:

Labcorp Genetics (formerly Invitae), Labcorp
Classification: Pathogenic. Last evaluated: 2021-02-12. Review status: criteria provided, single submitter. Criteria: Invitae Variant Classification Sherloc (09022015). Collection method: clinical testing. Allele origin: germline.
Comment: For these reasons, this variant has been classified as Pathogenic. This variant has not been reported in the literature in individuals with ADGRV1-related conditions. This variant is not present in population databases (ExAC no frequency). This sequence change creates a premature translational stop signal (p.Lys1544*) in the ADGRV1 gene. It is expected to result in an absent or disrupted protein product. Loss-of-function variants in ADGRV1 are known to be pathogenic (PMID: 19357117, 22135276, 22147658, 26667666, 30029497).

Literature cited by the submitters: PubMed 19357117; PubMed 22135276; PubMed 22147658; PubMed 26667666; PubMed 30029497.